The following is an entry in ClinVar:

ClinVar aggregate classification (germline): Pathogenic (1 of 4 stars; one submission).

Submission:

Labcorp Genetics (formerly Invitae), Labcorp
Classification: Pathogenic. Last evaluated: 2025-07-06. Review status: criteria provided, single submitter. Criteria: Invitae Variant Classification Sherloc (09022015). Collection method: clinical testing. Allele origin: germline.
Comment: This sequence change creates a premature translational stop signal (p.His269Metfs*27) in the SMARCB1 gene. It is expected to result in an absent or disrupted protein product. Loss-of-function variants in SMARCB1 are known to be pathogenic (PMID: 10521299, 21208904). This variant is not present in population databases (gnomAD no frequency). This variant has not been reported in the literature in individuals affected with SMARCB1-related conditions. For these reasons, this variant has been classified as Pathogenic.

Literature cited by the submitters: PubMed 10521299; PubMed 21208904.

NM_003073.5(SMARCB1):c.805del (p.His269fs)

Gene: SMARCB1 (SWI/SNF related BAF chromatin remodeling complex subunit B1; plus strand). Cytogenetic location: 22q11.23.
Variant type: Deletion.
Coding change: c.805del on transcript NM_003073.5 (MANE Select); coding-DNA position 805, one base deleted (C; older notation c.805delC).
Protein change: p.His269fs; shifts the reading frame from histidine 269.
Molecular consequence: frameshift variant.
Genome position (GRCh38, 1-based): chr22:23,825,234, C deleted; the last of 2 consecutive C bases (chr22:23,825,233-23,825,234); deleting either gives the same sequence. VCF-style (leftmost placement, unchanged base first): chr22-23825232-TC-T. GRCh37 (hg19) VCF-style: chr22-24167419-TC-T.
Other names: c.778del, p.His260fs (NM_001007468.3); c.832del, p.His278fs (NM_001317946.2); c.859del, p.His287fs (NM_001362877.2); short protein forms H269fs, H260fs, H278fs, H287fs.
Identifiers: ClinVar variation 4722710 (VCV004722710.1).
Genomic context (GRCh38, chr22:23,825,232, plus strand): 5'-GGCCTCCCTGGGCTGCAAAAGCTCTAACTTGTGTCCTTTGGTTGTTGCCTCAGCTGAACA[TC>T]CATGTGGGAAACATTTCCCTGGTGGACCAGTTTGAGTGGGACATGTCAGAGAAGGAGAAC-3'